The following is an entry in ClinVar:

NM_152564.5(VPS13B):c.5606C>T (p.Thr1869Met)

Gene: VPS13B (vacuolar protein sorting 13 homolog B; plus strand). Cytogenetic location: 8q22.2.
Variant type: single nucleotide variant.
Coding change: c.5606C>T on transcript NM_152564.5 (MANE Select); coding-DNA position 5606, C replaced by T.
Protein change: p.Thr1869Met; replaces threonine 1869 with methionine.
Molecular consequence: missense variant.
Genome position (GRCh38, 1-based): chr8:99,642,196, C>T. VCF-style: chr8-99642196-C-T. GRCh37 (hg19) VCF-style: chr8-100654424-C-T.
Other names: c.5681C>T, p.Thr1894Met (NM_017890.5); c.5606C>T (NM_152564.4); short protein forms T1869M, T1894M.
Identifiers: ClinVar variation 196918 (VCV000196918.57), dbSNP rs117148013, ClinGen allele CA207883.

ClinVar aggregate classification (germline): Conflicting classifications of pathogenicity. Review status: criteria provided, conflicting classifications (1 of 4 stars). 18 submissions from 18 submitters: Uncertain significance (9); Benign (1); Likely benign (7). 1 of the submissions does not count toward it. Last evaluated 2026-05-01.

Conditions:
VPS13B-related disorder. Also called: VPS13B-related condition.
Inborn genetic diseases. Identifiers: MedGen C0950123, MeSH D030342.
Cohen syndrome (COH1). Also called: Cutis verticis gyrata, retinitis pigmentosa, and sensorineural deafness; PEPPER SYNDROME. Identifiers: Orphanet 193, MedGen C0265223, MONDO:0008999, OMIM 216550.

Allele frequency attached by ClinVar (database versions not stated): 1000 Genomes Project 0.00020; 1000 Genomes Project 30x 0.00047; TOPMed 0.00066; gnomAD 0.00078; gnomAD exomes 0.00085 and 0.00102; ExAC 0.00100; ESP Exome Variant Server 0.00123.
gnomAD v4.1: 1,581 of 1,614,142 alleles (0.098%); highest among the groups gnomAD compares: South Asian, 0.18%; 2 homozygotes.

Submissions (18):

CeGaT Center for Human Genetics Tuebingen
Classification: Likely benign. Last evaluated: 2026-05-01. Review status: criteria provided, single submitter. Criteria: CeGaT Center For Human Genetics Tuebingen Variant Classification Criteria Version 2. Collection method: clinical testing. Allele origin: germline. Affected: yes. Observed: 7 variant alleles.
Comment: VPS13B: BP4, BS2

Labcorp Genetics (formerly Invitae), Labcorp
Classification: Likely benign for Cohen syndrome. Last evaluated: 2026-02-01. Review status: criteria provided, single submitter. Criteria: Invitae Variant Classification Sherloc (09022015). Collection method: clinical testing. Allele origin: germline.

PreventionGenetics, part of Exact Sciences
Classification: Likely benign for VPS13B-related condition. Last evaluated: 2025-11-03. Review status: criteria provided, single submitter. Criteria: ACMG Guidelines, 2015. Collection method: clinical testing. Allele origin: germline.
Comment: This variant is classified as likely benign based on ACMG/AMP sequence variant interpretation guidelines (Richards et al. 2015 PMID: 25741868, with internal and published modifications).

Blueprint Genetics
Classification: Likely benign. Last evaluated: 2024-11-18. Review status: criteria provided, single submitter. Criteria: ACMG Guidelines, 2015. Collection method: clinical testing. Allele origin: germline.

New York Genome Center
Classification: Uncertain significance for Cohen syndrome. Last evaluated: 2023-01-13. Review status: criteria provided, single submitter. Criteria: NYGC Assertion Criteria 2020. Collection method: clinical testing. Allele origin: germline. Observed: 1 variant allele.

Ambry Genetics
Classification: Likely benign for Inborn genetic diseases. Last evaluated: 2021-11-03. Review status: criteria provided, single submitter. Criteria: Ambry Variant Classification Scheme 2023. Collection method: clinical testing. Allele origin: germline.

Genome-Nilou Lab
Classification: Uncertain significance for Cohen syndrome. Last evaluated: 2021-05-18. Review status: criteria provided, single submitter. Criteria: ACMG Guidelines, 2015. Collection method: clinical testing. Allele origin: germline. Affected: no.

Center for Genomics, Ann and Robert H. Lurie Children's Hospital of Chicago
Classification: Uncertain significance for Cohen syndrome. Last evaluated: 2021-03-30. Review status: criteria provided, single submitter. Criteria: ACMG Guidelines, 2015. Collection method: clinical testing. Allele origin: germline.
Comment: VPS13B NM_017890.4 exon 37 p.Thr1894Met (c.5681C>T): This variant has not been reported in the literature but is present in 0.1% (50/30616) of South Asian alleles in the Genome Aggregation Database. This variant is also present in ClinVar (Variation ID:196918). This variant amino acid Methionine (Met) is present in several species including multiple mammals, and is not well conserved among evolutionarily distant species; this suggests that this variant may not impact the protein. Additional computational prediction tools do not suggest an impact. In summary, data on this variant is insufficient for disease classification. Therefore, the clinical significance of this variant is uncertain.

GeneDx
Classification: Likely benign. Last evaluated: 2020-07-29. Review status: criteria provided, single submitter. Criteria: GeneDx Variant Classification Process June 2021. Collection method: clinical testing. Allele origin: germline. Affected: yes.

Athena Diagnostics
Classification: Uncertain significance. Last evaluated: 2018-05-15. Review status: criteria provided, single submitter. Criteria: Athena Diagnostics Criteria. Collection method: clinical testing. Allele origin: germline.

Illumina Laboratory Services, Illumina
Classification: Uncertain significance for Cohen syndrome. Last evaluated: 2018-01-12. Review status: criteria provided, single submitter. Criteria: ICSL Variant Classification Criteria 13 December 2019. Collection method: clinical testing. Allele origin: germline.

Fulgent Genetics
Classification: Uncertain significance for Cohen syndrome. Last evaluated: 2017-05-23. Review status: criteria provided, single submitter. Criteria: ACMG Guidelines, 2015. Collection method: clinical testing. Allele origin: unknown.

Clinical Genetics DNA and cytogenetics Diagnostics Lab, Erasmus MC, Erasmus Medical Center
Classification: Likely benign for Cohen syndrome. Last evaluated: 2015-09-21. Review status: criteria provided, single submitter. Criteria: ACGS Guidelines, 2013. Collection method: clinical testing. Allele origin: germline. Affected: yes. Study: VKGL Data-share Consensus.

Genetic Services Laboratory, University of Chicago
Classification: Uncertain significance. Last evaluated: 2015-04-02. Review status: criteria provided, single submitter. Criteria: ACMG Guidelines, 2015. Collection method: clinical testing. Allele origin: germline.

Eurofins Ntd Llc (ga)
Classification: Uncertain significance. Last evaluated: 2015-03-11. Review status: criteria provided, single submitter. Criteria: EGL Classification Definitions 2015. Collection method: clinical testing. Allele origin: germline. Observed: 2 variant alleles, 2 heterozygotes.

Genome Diagnostics Laboratory, University Medical Center Utrecht
Classification: Benign for Cohen syndrome. Last evaluated: 2014-10-09. Review status: criteria provided, single submitter. Criteria: ACGS Guidelines, 2013. Collection method: clinical testing. Allele origin: germline. Affected: yes. Study: VKGL Data-share Consensus.

Institute of Human Genetics, University Hospital of Duesseldorf
Classification: Uncertain significance for Cohen syndrome. Review status: criteria provided, single submitter. Criteria: ACMG Guidelines, 2015. Collection method: not provided. Allele origin: germline. Inheritance: Autosomal recessive inheritance. Affected: yes.

Clinical Genetics, Academic Medical Center
Classification: Likely benign. Review status: no assertion criteria provided. Collection method: clinical testing. Allele origin: germline. Affected: yes. Study: VKGL Data-share Consensus. Not counted in ClinVar's aggregate classification.